The following is an entry in ClinVar:

NM_000038.6(APC):c.1958_1958+1insT

Gene: APC (APC regulator of Wnt signaling pathway; plus strand). Cytogenetic location: 5q22.2.
Variant type: Insertion.
Coding change: c.1958_1958+1insT on transcript NM_000038.6 (MANE Select); coding-DNA position 1958 through the canonical splice donor site of the intron after coding-DNA position 1958, T inserted.
Molecular consequence: splice donor variant.
Genome position: GRCh38 VCF-style: chr5-112835165-G-GT. GRCh37 (hg19) VCF-style: chr5-112170862-G-GT.
Other names: c.1109_1109+1insT (NM_001407470.1, NM_001354906.2); c.806_806+1insT (NM_001407472.1, NM_001407471.1); c.2012_2012+1insT (NM_001407447.1, NM_001407448.1, NM_001407449.1 and 1 more transcripts); c.1958_1958+1insT (NM_001354895.2, NM_001407450.1, NM_001127510.3); c.1709_1709+1insT (NM_001407456.1, NM_001407457.1, NM_001407455.1 and 1 more transcripts); c.1655_1655+1insT (NM_001407460.1, NM_001407458.1, NM_001407459.1 and 1 more transcripts); c.1928_1928+1insT (NM_001407452.1); c.1571_1571+1insT (NM_001407469.1, NM_001407467.1); and 11 more.
Identifiers: ClinVar variation 2584101 (VCV002584101.1), dbSNP rs2533345433, ClinGen allele CA2582341382.

ClinVar aggregate classification (germline): Pathogenic (1 of 4 stars; one submission).

Conditions:
Familial adenomatous polyposis 1 (FAP1). Also called: FAMILIAL ADENOMATOUS POLYPOSIS 1, ATTENUATED; POLYPOSIS, ADENOMATOUS INTESTINAL. Identifiers: MedGen C2713442, MONDO:0021056, OMIM 175100. Disease mechanism: loss of function.

Submission:

Myriad Genetics, Inc.
Classification: Pathogenic for Familial adenomatous polyposis 1. Last evaluated: 2023-05-03. Review status: criteria provided, single submitter. Criteria: Myriad Autosomal Dominant, Autosomal Recessive and X-Linked Classification Criteria (2023). Collection method: clinical testing. Allele origin: unknown.
Comment: This variant is considered pathogenic. This variant creates a frameshift predicted to result in premature protein truncation.